The following is an entry in ClinVar:

NM_003797.5(EED):c.-125G>T

Gene: EED (embryonic ectoderm development; plus strand). Cytogenetic location: 11q14.2.
Variant type: single nucleotide variant.
Coding change: c.-125G>T on transcript NM_003797.5 (MANE Select); 125 bases upstream of the start codon, G replaced by T.
Molecular consequence: 5 prime UTR variant.
Genome position (GRCh38, 1-based): chr11:86,245,105, G>T. VCF-style: chr11-86245105-G-T. GRCh37 (hg19) VCF-style: chr11-85956147-G-T.
Other names: c.-125G>T (NM_001308007.2, NM_001330334.2).
Identifiers: ClinVar variation 3239287 (VCV003239287.19), dbSNP rs372728427.

ClinVar aggregate classification (germline): Likely benign (1 of 4 stars; one submission).

gnomAD v4.1: 141 of 678,366 alleles (0.021%); highest among the groups gnomAD compares: Non-Finnish European, 0.029%; no homozygotes.

Submission:

CeGaT Center for Human Genetics Tuebingen
Classification: Likely benign. Last evaluated: 2025-09-01. Review status: criteria provided, single submitter. Criteria: CeGaT Center For Human Genetics Tuebingen Variant Classification Criteria Version 2. Collection method: clinical testing. Allele origin: germline. Affected: yes. Observed: 2 variant alleles.
Comment: EED: BS2